The following is an entry in ClinVar:

ClinVar aggregate classification (germline): Likely benign. Review status: criteria provided, multiple submitters, no conflicts (2 of 4 stars). 4 submissions from 4 submitters: Likely benign (4). Last evaluated 2025-11-09.

Conditions:
Developmental and epileptic encephalopathy, 23 (DEE23). Also called: Epileptic encephalopathy, early infantile, 23. Identifiers: Orphanet 411986, MedGen C4014492, MONDO:0014371, OMIM 615859.

Allele frequency attached by ClinVar (database versions not stated): ESP Exome Variant Server 0.00015; 1000 Genomes Project 0.00020; gnomAD exomes 0.00022; 1000 Genomes Project 30x 0.00047.
gnomAD v4.1: 238 of 1,426,304 alleles (0.017%); highest among the groups gnomAD compares: Admixed American, 0.053%; 1 homozygote.

Submissions (4):

Labcorp Genetics (formerly Invitae), Labcorp
Classification: Likely benign for Developmental and epileptic encephalopathy, 23. Last evaluated: 2025-11-09. Review status: criteria provided, single submitter. Criteria: Invitae Variant Classification Sherloc (09022015). Collection method: clinical testing. Allele origin: germline.

Blueprint Genetics
Classification: Likely benign. Last evaluated: 2024-11-04. Review status: criteria provided, single submitter. Criteria: ACMG Guidelines, 2015. Collection method: clinical testing. Allele origin: germline.

Genome-Nilou Lab
Classification: Likely benign for Developmental and epileptic encephalopathy, 23. Last evaluated: 2023-04-11. Review status: criteria provided, single submitter. Criteria: ACMG Guidelines, 2015. Collection method: clinical testing. Allele origin: germline. Affected: no.

Women's Health and Genetics/Laboratory Corporation of America, LabCorp
Classification: Likely benign. Last evaluated: 2023-01-12. Review status: criteria provided, single submitter. Criteria: LabCorp Variant Classification Summary - May 2015. Collection method: clinical testing. Allele origin: germline.
Comment: Variant summary: DOCK7 c.2113-18A>G alters a conserved nucleotide located close to a canonical splice site and therefore could affect mRNA splicing, leading to a significantly altered protein sequence. 4/4 computational tools predict no significant impact on normal splicing. However, these predictions have yet to be confirmed by functional studies. The variant allele was found at a frequency of 0.00034 in 96290 control chromosomes in the gnomAD database, including 1 homozygotes. To our knowledge, no occurrence of c.2113-18A>G in individuals affected with Developmental And Epileptic Encephalopathy, 23 and no experimental evidence demonstrating its impact on protein function have been reported. One clinical diagnostic laboratory has submitted clinical-significance assessments for this variant to ClinVar after 2014 without evidence for independent evaluation. One laboratory classified the variant as likely benign. Based on the evidence outlined above, the variant was classified as likely benign.

NM_001367561.1(DOCK7):c.2113-18A>G

Gene: DOCK7 (dedicator of cytokinesis 7; minus strand). Cytogenetic location: 1p31.3.
Variant type: single nucleotide variant.
Coding change: c.2113-18A>G on transcript NM_001367561.1 (MANE Select); 18 bases into the intron before coding-DNA position 2113, A replaced by G.
Molecular consequence: intron variant.
Genome position (GRCh38, 1-based): chr1:62,561,721, T>C on the plus strand (A>G on the coding strand, the complement: DOCK7 is on the minus strand). VCF-style: chr1-62561721-T-C. GRCh37 (hg19) VCF-style: chr1-63027392-T-C.
Other names: c.2113-18A>G (NM_033407.3, NM_001272001.2, NM_001272000.2 and 3 more transcripts).
Identifiers: ClinVar variation 1575189 (VCV001575189.11), dbSNP rs201000785, ClinGen allele CA886353.